The following is an entry in ClinVar:

NM_001378183.1(PIEZO2):c.3452C>A (p.Thr1151Asn)

Gene: PIEZO2 (piezo type mechanosensitive ion channel component 2; minus strand). Cytogenetic location: 18p11.22.
Variant type: single nucleotide variant.
Coding change: c.3452C>A on transcript NM_001378183.1 (MANE Select); coding-DNA position 3452, C replaced by A.
Protein change: p.Thr1151Asn; replaces threonine 1151 with asparagine.
Molecular consequence: missense variant.
Genome position (GRCh38, 1-based): chr18:10,759,908, G>T on the plus strand (C>A on the coding strand, the complement: PIEZO2 is on the minus strand). VCF-style: chr18-10759908-G-T. GRCh37 (hg19) VCF-style: chr18-10759906-G-T.
Other names: c.3377C>A, p.Thr1126Asn (NM_022068.4); short protein forms T1126N, T1151N.
Identifiers: ClinVar variation 392642 (VCV000392642.9), dbSNP rs1057524577, ClinGen allele CA16608706.

ClinVar aggregate classification (germline): Uncertain significance. Review status: criteria provided, multiple submitters, no conflicts (2 of 4 stars). 2 submissions from 2 submitters: Uncertain significance (2). Last evaluated 2022-07-19.

Allele frequency attached by ClinVar (database versions not stated): gnomAD exomes 0.00001; TOPMed 0.00001.
gnomAD v4.1: 7 of 1,536,992 alleles (0.00046%); highest among the groups gnomAD compares: African/African-American, 0.0014%; no homozygotes.

Submissions (2):

Labcorp Genetics (formerly Invitae), Labcorp
Classification: Uncertain significance. Last evaluated: 2022-07-19. Review status: criteria provided, single submitter. Criteria: Invitae Variant Classification Sherloc (09022015). Collection method: clinical testing. Allele origin: germline.
Comment: In summary, the available evidence is currently insufficient to determine the role of this variant in disease. Therefore, it has been classified as a Variant of Uncertain Significance. Algorithms developed to predict the effect of missense changes on protein structure and function are either unavailable or do not agree on the potential impact of this missense change (SIFT: "Deleterious"; PolyPhen-2: "Possibly Damaging"; Align-GVGD: "Class C0"). ClinVar contains an entry for this variant (Variation ID: 392642). This variant has not been reported in the literature in individuals affected with PIEZO2-related conditions. This variant is present in population databases (no rsID available, gnomAD 0.01%). This sequence change replaces threonine, which is neutral and polar, with asparagine, which is neutral and polar, at codon 1126 of the PIEZO2 protein (p.Thr1126Asn).

GeneDx
Classification: Uncertain significance. Last evaluated: 2017-01-19. Review status: criteria provided, single submitter. Criteria: GeneDx Variant Classification (06012015). Collection method: clinical testing. Allele origin: germline. Affected: yes.
Comment: The T1126N variant in the PIEZO2 gene has not been reported previously as a pathogenic variant, nor as a benign variant, to our knowledge. This variant was not observed in approximately 2300 individuals of European and African American ancestry in the NHLBI Exome Sequencing Project, indicating it is not a common benign variant in these populations. The T1126N variant is a conservative amino acid substitution, which is not likely to impact secondary protein structure as these residues share similar properties. This substitution occurs at a position where amino acids with similar properties to Threonine are tolerated across species. In silico analysis predicts this variant is probably damaging to the protein structure/function. We interpret T1126N as a variant of uncertain significance.